The following is an entry in ClinVar:

NM_004817.4(TJP2):c.1139T>C (p.Val380Ala)

Gene: TJP2 (tight junction protein 2; plus strand). Cytogenetic location: 9q21.11.
Variant type: single nucleotide variant.
Coding change: c.1139T>C on transcript NM_004817.4 (MANE Select); coding-DNA position 1139, T replaced by C.
Protein change: p.Val380Ala; replaces valine 380 with alanine.
Molecular consequence: missense variant.
Genome position (GRCh38, 1-based): chr9:69,226,104, T>C. VCF-style: chr9-69226104-T-C. GRCh37 (hg19) VCF-style: chr9-71841020-T-C.
Other names: c.1070T>C, p.Val357Ala (NM_001170414.2, NM_001369870.1, NM_001369871.1); c.1151T>C, p.Val384Ala (NM_001170415.1, NM_001369874.1, NM_001369875.1); c.1232T>C, p.Val411Ala (NM_001170416.2); c.1139T>C, p.Val380Ala (NM_001369872.1, NM_001369873.1, NM_201629.3); short protein forms V380A, V384A, V357A, V411A.
Identifiers: ClinVar variation 1917321 (VCV001917321.5), dbSNP rs2538495496, ClinGen allele CA373530562.

ClinVar aggregate classification (germline): Uncertain significance (1 of 4 stars; one submission).

Allele frequency attached by ClinVar (database versions not stated): gnomAD exomes below 0.00001.

Submission:

Labcorp Genetics (formerly Invitae), Labcorp
Classification: Uncertain significance. Last evaluated: 2023-12-21. Review status: criteria provided, single submitter. Criteria: Invitae Variant Classification Sherloc (09022015). Collection method: clinical testing. Allele origin: germline.
Comment: This sequence change replaces valine, which is neutral and non-polar, with alanine, which is neutral and non-polar, at codon 380 of the TJP2 protein (p.Val380Ala). This variant is not present in population databases (gnomAD no frequency). This variant has not been reported in the literature in individuals affected with TJP2-related conditions. ClinVar contains an entry for this variant (Variation ID: 1917321). Advanced modeling of protein sequence and biophysical properties (such as structural, functional, and spatial information, amino acid conservation, physicochemical variation, residue mobility, and thermodynamic stability) has been performed at Invitae for this missense variant, however the output from this modeling did not meet the statistical confidence thresholds required to predict the impact of this variant on TJP2 protein function. In summary, the available evidence is currently insufficient to determine the role of this variant in disease. Therefore, it has been classified as a Variant of Uncertain Significance.